The following is an entry in ClinVar:

NM_080476.5(PIGU):c.628C>T (p.Arg210Trp)

Gene: PIGU (phosphatidylinositol glycan anchor biosynthesis class U; minus strand). Cytogenetic location: 20q11.22.
Variant type: single nucleotide variant.
Coding change: c.628C>T on transcript NM_080476.5 (MANE Select); coding-DNA position 628, C replaced by T.
Protein change: p.Arg210Trp; replaces arginine 210 with tryptophan.
Molecular consequence: missense variant.
Genome position (GRCh38, 1-based): chr20:34,588,607, G>A on the plus strand (C>T on the coding strand, the complement: PIGU is on the minus strand). VCF-style: chr20-34588607-G-A. GRCh37 (hg19) VCF-style: chr20-33176411-G-A.
Other names: short protein forms R210W.
Identifiers: ClinVar variation 2172370 (VCV002172370.1), dbSNP rs757337483, ClinGen allele CA9822596.

ClinVar aggregate classification (germline): Uncertain significance (1 of 4 stars; one submission).

Allele frequency attached by ClinVar (database versions not stated): gnomAD exomes 0.00001; TOPMed 0.00001; ExAC 0.00003; gnomAD 0.00003.
gnomAD v4.1: 20 of 1,611,118 alleles (0.0012%); highest among the groups gnomAD compares: African/African-American, 0.0027%; no homozygotes.

Submission:

Labcorp Genetics (formerly Invitae), Labcorp
Classification: Uncertain significance. Last evaluated: 2022-02-20. Review status: criteria provided, single submitter. Criteria: Invitae Variant Classification Sherloc (09022015). Collection method: clinical testing. Allele origin: germline.
Comment: This sequence change replaces arginine, which is basic and polar, with tryptophan, which is neutral and slightly polar, at codon 210 of the PIGU protein (p.Arg210Trp). This variant is present in population databases (rs757337483, gnomAD 0.01%). This variant has not been reported in the literature in individuals affected with PIGU-related conditions. Algorithms developed to predict the effect of missense changes on protein structure and function are either unavailable or do not agree on the potential impact of this missense change (SIFT: "Deleterious"; PolyPhen-2: "Possibly Damaging"; Align-GVGD: "Class C0"). In summary, the available evidence is currently insufficient to determine the role of this variant in disease. Therefore, it has been classified as a Variant of Uncertain Significance.